The following is an entry in ClinVar:

ClinVar aggregate classification (germline): Uncertain significance (1 of 4 stars; one submission).

Conditions:
Hajdu-Cheney syndrome (HJCYS). Also called: ACROOSTEOLYSIS WITH OSTEOPOROSIS AND CHANGES IN SKULL AND MANDIBLE; SERPENTINE FIBULA-POLYCYSTIC KIDNEY SYNDROME; Acroosteolysis dominant type. Identifiers: Orphanet 955, MedGen C0917715, MONDO:0007057, OMIM 102500.

Allele frequency attached by ClinVar (database versions not stated): gnomAD 0.00001; gnomAD exomes 0.00001; TOPMed below 0.00001.
gnomAD v4.1: 10 of 1,614,042 alleles (0.00062%); highest among the groups gnomAD compares: Non-Finnish European, 0.00085%; no homozygotes.

Submission:

Labcorp Genetics (formerly Invitae), Labcorp
Classification: Uncertain significance for Hajdu-Cheney syndrome. Last evaluated: 2023-04-20. Review status: criteria provided, single submitter. Criteria: Invitae Variant Classification Sherloc (09022015). Collection method: clinical testing. Allele origin: germline.
Comment: In summary, the available evidence is currently insufficient to determine the role of this variant in disease. Therefore, it has been classified as a Variant of Uncertain Significance. Advanced modeling of protein sequence and biophysical properties (such as structural, functional, and spatial information, amino acid conservation, physicochemical variation, residue mobility, and thermodynamic stability) performed at Invitae indicates that this missense variant is not expected to disrupt NOTCH2 protein function. ClinVar contains an entry for this variant (Variation ID: 2086022). This variant has not been reported in the literature in individuals affected with NOTCH2-related conditions. This variant is present in population databases (no rsID available, gnomAD 0.0009%). This sequence change replaces asparagine, which is neutral and polar, with serine, which is neutral and polar, at codon 1723 of the NOTCH2 protein (p.Asn1723Ser).

NM_024408.4(NOTCH2):c.5168A>G (p.Asn1723Ser)

Gene: NOTCH2 (notch receptor 2; minus strand). Cytogenetic location: 1p12.
Variant type: single nucleotide variant.
Coding change: c.5168A>G on transcript NM_024408.4 (MANE Select); coding-DNA position 5168, A replaced by G.
Protein change: p.Asn1723Ser; replaces asparagine 1723 with serine.
Molecular consequence: missense variant.
Genome position (GRCh38, 1-based): chr1:119,922,281, T>C on the plus strand (A>G on the coding strand, the complement: NOTCH2 is on the minus strand). VCF-style: chr1-119922281-T-C. GRCh37 (hg19) VCF-style: chr1-120464904-T-C.
Other names: short protein forms N1723S.
Identifiers: ClinVar variation 2086022 (VCV002086022.4), dbSNP rs1437895792, ClinGen allele CA341886760.
Genomic context (GRCh38, chr1:119,922,281, plus strand): 5'-GGCAATGCCTCTTACTTCAGCCCCACAGCATCCTGTCCCACTGGCTCACGACGCTTGTGA[T>C]TGCTTGCATCTCGGCGAAGAGTGAAACCTTCAGGCAGCCAGAGAGAGCCATGCTTACGCT-3'
Protein context (NP_077719.2, residues 1713-1733): EGFTLRRDAS[Asn1723Ser]HKRREPVGQD